The following is an entry in ClinVar:

NM_005026.5(PIK3CD):c.1272G>T (p.Met424Ile)

Genes: PIK3CD (phosphatidylinositol-4,5-bisphosphate 3-kinase catalytic subunit delta; plus strand), LOC126805612 (MED14-independent group 3 enhancer GRCh37_chr1:9778914-9780113; plus strand). Cytogenetic location: 1p36.22.
Variant type: single nucleotide variant.
Coding change: c.1272G>T on transcript NM_005026.5 (MANE Select); coding-DNA position 1272, G replaced by T.
Protein change: p.Met424Ile; replaces methionine 424 with isoleucine.
Molecular consequence: missense variant.
Genome position (GRCh38, 1-based): chr1:9,719,950, G>T. VCF-style: chr1-9719950-G-T. GRCh37 (hg19) VCF-style: chr1-9780008-G-T.
Other names: c.1272G>T, p.Met424Ile (NM_001350234.2); c.1185G>T, p.Met395Ile (NM_001350235.1); short protein forms M424I, M395I.
Identifiers: ClinVar variation 2746984 (VCV002746984.3), dbSNP rs2524986115, ClinGen allele CA338302500.

ClinVar aggregate classification (germline): Uncertain significance (1 of 4 stars; one submission).

Conditions:
Immunodeficiency 14 (IMD14A). Also called: p110-DELTA-ACTIVATING MUTATION CAUSING SENESCENT T CELLS, LYMPHADENOPATHY, AND IMMUNODEFICIENCY; IMMUNODEFICIENCY 14A WITH LYMPHOPROLIFERATION, AUTOSOMAL DOMINANT; ACTIVATED PI3K-DELTA SYNDROME 1; Activated PI3K Delta Syndrome Type 1 (APDS1). Identifiers: Orphanet 397596, Orphanet 693661, MedGen C5907821, MONDO:0014222, OMIM 615513.

Submission:

Labcorp Genetics (formerly Invitae), Labcorp
Classification: Uncertain significance for Activated PI3K-delta syndrome. Last evaluated: 2025-03-19. Review status: criteria provided, single submitter. Criteria: Invitae Variant Classification Sherloc (09022015). Collection method: clinical testing. Allele origin: germline.
Comment: This sequence change replaces methionine, which is neutral and non-polar, with isoleucine, which is neutral and non-polar, at codon 424 of the PIK3CD protein (p.Met424Ile). This variant is not present in population databases (gnomAD no frequency). This variant has not been reported in the literature in individuals affected with PIK3CD-related conditions. ClinVar contains an entry for this variant (Variation ID: 2746984). Invitae Evidence Modeling of protein sequence and biophysical properties (such as structural, functional, and spatial information, amino acid conservation, physicochemical variation, residue mobility, and thermodynamic stability) indicates that this missense variant is expected to disrupt PIK3CD protein function with a positive predictive value of 80%. In summary, the available evidence is currently insufficient to determine the role of this variant in disease. Therefore, it has been classified as a Variant of Uncertain Significance.